The following is an entry in ClinVar:

NM_001042492.3(NF1):c.3833A>T (p.Asn1278Ile)

Gene: NF1 (neurofibromin 1; plus strand). Cytogenetic location: 17q11.2.
Variant type: single nucleotide variant.
Coding change: c.3833A>T on transcript NM_001042492.3 (MANE Select); coding-DNA position 3833, A replaced by T.
Protein change: p.Asn1278Ile; replaces asparagine 1278 with isoleucine.
Molecular consequence: missense variant.
Genome position (GRCh38, 1-based): chr17:31,235,735, A>T. VCF-style: chr17-31235735-A-T. GRCh37 (hg19) VCF-style: chr17-29562753-A-T.
Other names: c.3833A>T, p.Asn1278Ile (NM_000267.4); short protein forms N1278I.
Identifiers: ClinVar variation 1467922 (VCV001467922.10), dbSNP rs2067188951, ClinGen allele CA398992780.

ClinVar aggregate classification (germline): Likely pathogenic. Review status: criteria provided, multiple submitters, no conflicts (2 of 4 stars). 2 submissions from 2 submitters: Likely pathogenic (2). Last evaluated 2024-12-24.

Conditions:
Neurofibromatosis, type 1 (NF1). Also called: NEUROFIBROMATOSIS, TYPE I, SOMATIC; VON RECKLINGHAUSEN DISEASE; Peripheral type neurofibromatosis; Neurofibromatosis, type I. Identifiers: Orphanet 636, MedGen C0027831, MONDO:0018975, OMIM 162200. Disease mechanism: loss of function.

Submissions (2):

Women's Health and Genetics/Laboratory Corporation of America, LabCorp
Classification: Likely pathogenic for Neurofibromatosis, type 1. Last evaluated: 2024-12-24. Review status: criteria provided, single submitter. Criteria: LabCorp Variant Classification Summary - May 2015. Collection method: clinical testing. Allele origin: germline.
Comment: Variant summary: NF1 c.3833A>T (p.Asn1278Ile) results in a non-conservative amino acid change located in the Ras GTPase-activating domain (IPR001936) of the encoded protein sequence. Five of five in-silico tools predict a damaging effect of the variant on protein function. At-least two other variants affecting the same codon have been reported with pathogenic evidence (c.3832A>T, p.Asn1278Tyr and c.3834C>G, p.Asn1278Lys), supporting a critical relevance of this residue to NF1 protein function. The variant was absent in 251210 control chromosomes. To our knowledge, no occurrence of c.3833A>T in individuals affected with Neurofibromatosis Type 1 and no experimental evidence demonstrating its impact on protein function have been reported. ClinVar contains an entry for this variant (Variation ID: 1467922). Based on the evidence outlined above, the variant was classified as likely pathogenic.

Labcorp Genetics (formerly Invitae), Labcorp
Classification: Likely pathogenic for Neurofibromatosis, type 1. Last evaluated: 2023-07-16. Review status: criteria provided, single submitter. Criteria: Invitae Variant Classification Sherloc (09022015). Collection method: clinical testing. Allele origin: germline.
Comment: This variant is not present in population databases (gnomAD no frequency). This sequence change replaces asparagine, which is neutral and polar, with isoleucine, which is neutral and non-polar, at codon 1278 of the NF1 protein (p.Asn1278Ile). This variant has not been reported in the literature in individuals affected with NF1-related conditions. ClinVar contains an entry for this variant (Variation ID: 1467922). Advanced modeling of protein sequence and biophysical properties (such as structural, functional, and spatial information, amino acid conservation, physicochemical variation, residue mobility, and thermodynamic stability) performed at Invitae indicates that this missense variant is expected to disrupt NF1 protein function. This variant disrupts the p.Asn1278 amino acid residue in NF1. Other variant(s) that disrupt this residue have been determined to be pathogenic (PMID: 28961165; Invitae). This suggests that this residue is clinically significant, and that variants that disrupt this residue are likely to be disease-causing. In summary, the currently available evidence indicates that the variant is pathogenic, but additional data are needed to prove that conclusively. Therefore, this variant has been classified as Likely Pathogenic.

Literature cited by the submitters: PubMed 28961165 (cited by Labcorp Genetics (formerly Invitae), Labcorp).